The following is an entry in ClinVar:

NM_144997.7(FLCN):c.993T>C (p.Ser331=)

Gene: FLCN (folliculin; minus strand). Cytogenetic location: 17p11.2.
Variant type: single nucleotide variant.
Coding change: c.993T>C on transcript NM_144997.7 (MANE Select); coding-DNA position 993, T replaced by C.
Protein change: p.Ser331=; no amino-acid change (serine 331 retained).
Molecular consequence: synonymous variant.
Genome position (GRCh38, 1-based): chr17:17,219,088, A>G on the plus strand (T>C on the coding strand, the complement: FLCN is on the minus strand). VCF-style: chr17-17219088-A-G. GRCh37 (hg19) VCF-style: chr17-17122402-A-G.
Other names: c.1047T>C, p.Ser349= (NM_001353229.2); c.993T>C, p.Ser331= (NM_001353230.2, NM_001353231.2).
Identifiers: ClinVar variation 1768679 (VCV001768679.5), dbSNP rs768940625, ClinGen allele CA8416176.

ClinVar aggregate classification (germline): Benign/Likely benign. Review status: criteria provided, multiple submitters, no conflicts (2 of 4 stars). 3 submissions from 3 submitters: Benign (1); Likely benign (2). Last evaluated 2024-10-23.

Conditions:
Birt-Hogg-Dube syndrome. Also called: Birt Hogg Dubé syndrome. Identifiers: Orphanet 122, MedGen C0346010, MONDO:0800444.
Birt-Hogg-Dube syndrome 1 (BHD1). Also called: FIBROFOLLICULOMAS WITH TRICHODISCOMAS AND ACROCHORDONS. Identifiers: Orphanet 122, MedGen CN375946, MONDO:0800445, OMIM 135150.
Hereditary cancer-predisposing syndrome. Also called: Tumor predisposition; Neoplastic Syndromes, Hereditary; Hereditary Cancer Syndrome; Hereditary neoplastic syndrome. Identifiers: Orphanet 140162, MedGen C0027672, MeSH D009386, MONDO:0015356.

Allele frequency attached by ClinVar (database versions not stated): gnomAD exomes below 0.00001; ExAC 0.00002.
gnomAD v4.1: 4 of 1,614,134 alleles (0.00025%); highest among the groups gnomAD compares: South Asian, 0.0044%; no homozygotes.

Submissions (3):

Myriad Genetics, Inc.
Classification: Benign for Birt-Hogg-Dube syndrome 1. Last evaluated: 2024-10-23. Review status: criteria provided, single submitter. Criteria: Myriad Autosomal Dominant, Autosomal Recessive and X-Linked Classification Criteria (2023). Collection method: clinical testing. Allele origin: unknown.
Comment: This variant is considered benign. This variant is a silent/synonymous amino acid change and it is not expected to impact splicing.

Labcorp Genetics (formerly Invitae), Labcorp
Classification: Likely benign for Birt-Hogg-Dube syndrome. Last evaluated: 2024-02-08. Review status: criteria provided, single submitter. Criteria: Invitae Variant Classification Sherloc (09022015). Collection method: clinical testing. Allele origin: germline.

Ambry Genetics
Classification: Likely benign for Hereditary cancer-predisposing syndrome. Last evaluated: 2019-12-05. Review status: criteria provided, single submitter. Criteria: Ambry Variant Classification Scheme 2023. Collection method: clinical testing. Allele origin: germline.